The following is an entry in ClinVar:

NM_021831.6(AGBL5):c.2225A>G (p.Asp742Gly)

Gene: AGBL5 (AGBL carboxypeptidase 5; plus strand). Cytogenetic location: 2p23.3.
Variant type: single nucleotide variant.
Coding change: c.2225A>G on transcript NM_021831.6 (MANE Select); coding-DNA position 2225, A replaced by G.
Protein change: p.Asp742Gly; replaces aspartic acid 742 with glycine.
Molecular consequence: missense variant. On other transcripts: non-coding transcript variant (2).
Genome position (GRCh38, 1-based): chr2:27,067,629, A>G. VCF-style: chr2-27067629-A-G. GRCh37 (hg19) VCF-style: chr2-27290497-A-G.
Other names: c.2225A>G, p.Asp742Gly (NM_001035506.1); short protein forms D742G.
Identifiers: ClinVar variation 2006440 (VCV002006440.4), dbSNP rs2465545861, ClinGen allele CA346140936.

ClinVar aggregate classification (germline): Uncertain significance (1 of 4 stars; one submission).

gnomAD v4.1: 1 of 1,613,014 alleles (0.000062%); no homozygotes.

Submission:

Labcorp Genetics (formerly Invitae), Labcorp
Classification: Uncertain significance. Last evaluated: 2022-06-14. Review status: criteria provided, single submitter. Criteria: Invitae Variant Classification Sherloc (09022015). Collection method: clinical testing. Allele origin: germline.
Comment: This sequence change replaces aspartic acid, which is acidic and polar, with glycine, which is neutral and non-polar, at codon 742 of the AGBL5 protein (p.Asp742Gly). This variant is not present in population databases (gnomAD no frequency). This variant has not been reported in the literature in individuals affected with AGBL5-related conditions. Algorithms developed to predict the effect of missense changes on protein structure and function (SIFT, PolyPhen-2, Align-GVGD) all suggest that this variant is likely to be tolerated. In summary, the available evidence is currently insufficient to determine the role of this variant in disease. Therefore, it has been classified as a Variant of Uncertain Significance.